The following is an entry in ClinVar:

ClinVar aggregate classification (germline): Uncertain significance. Review status: criteria provided, multiple submitters, no conflicts (2 of 4 stars). 2 submissions from 2 submitters: Uncertain significance (2). Last evaluated 2025-01-22.

Conditions:
Inborn genetic diseases. Identifiers: MedGen C0950123, MeSH D030342.

Allele frequency attached by ClinVar (database versions not stated): TOPMed 0.00001.
gnomAD v4.1: 3 of 1,613,858 alleles (0.00019%); highest among the groups gnomAD compares: Non-Finnish European, 0.00025%; no homozygotes.

Submissions (2):

Ambry Genetics
Classification: Uncertain significance for Inborn genetic diseases. Last evaluated: 2025-01-22. Review status: criteria provided, single submitter. Criteria: Ambry Variant Classification Scheme 2023. Collection method: clinical testing. Allele origin: germline.

Labcorp Genetics (formerly Invitae), Labcorp
Classification: Uncertain significance. Last evaluated: 2022-08-10. Review status: criteria provided, single submitter. Criteria: Invitae Variant Classification Sherloc (09022015). Collection method: clinical testing. Allele origin: germline.
Comment: In summary, the available evidence is currently insufficient to determine the role of this variant in disease. Therefore, it has been classified as a Variant of Uncertain Significance. Algorithms developed to predict the effect of missense changes on protein structure and function output the following: SIFT: "Tolerated"; PolyPhen-2: "Benign"; Align-GVGD: "Class C0". The glycine amino acid residue is found in multiple mammalian species, which suggests that this missense change does not adversely affect protein function. ClinVar contains an entry for this variant (Variation ID: 1002401). This variant has not been reported in the literature in individuals affected with RETREG1-related conditions. This variant is not present in population databases (gnomAD no frequency). This sequence change replaces glutamic acid, which is acidic and polar, with glycine, which is neutral and non-polar, at codon 389 of the RETREG1 protein (p.Glu389Gly).

NM_001034850.3(RETREG1):c.1166A>G (p.Glu389Gly)

Gene: RETREG1 (reticulophagy regulator 1; minus strand). Cytogenetic location: 5p15.1.
Variant type: single nucleotide variant.
Coding change: c.1166A>G on transcript NM_001034850.3 (MANE Select); coding-DNA position 1166, A replaced by G.
Protein change: p.Glu389Gly; replaces glutamic acid 389 with glycine.
Molecular consequence: missense variant.
Genome position (GRCh38, 1-based): chr5:16,475,069, T>C on the plus strand (A>G on the coding strand, the complement: RETREG1 is on the minus strand). VCF-style: chr5-16475069-T-C. GRCh37 (hg19) VCF-style: chr5-16475178-T-C.
Other names: c.1166A>G (NM_001034850.1); c.743A>G, p.Glu248Gly (NM_019000.5); short protein forms E248G, E389G.
Identifiers: ClinVar variation 1002401 (VCV001002401.9), dbSNP rs757708271, ClinGen allele CA359256281.